The following is an entry in ClinVar:

ClinVar aggregate classification (germline): Conflicting classifications of pathogenicity. Review status: criteria provided, conflicting classifications (1 of 4 stars). 5 submissions from 5 submitters: Uncertain significance (3); Likely benign (1). 1 of the submissions does not count toward it. Last evaluated 2025-01-23.

Conditions:
Inborn genetic diseases. Identifiers: MedGen C0950123, MeSH D030342.
Propionic acidemia (PROP). Also called: GLYCINEMIA, KETOTIC; HYPERGLYCINEMIA WITH KETOACIDOSIS AND LEUKOPENIA; KETOTIC HYPERGLYCINEMIA. Identifiers: Orphanet 35, MedGen C0268579, MONDO:0011628, OMIM 606054, HP:0003571.

Allele frequency attached by ClinVar (database versions not stated): gnomAD exomes 0.00001 and 0.00002; gnomAD 0.00002; TOPMed 0.00002.
gnomAD v4.1: 23 of 1,558,548 alleles (0.0015%); highest among the groups gnomAD compares: Admixed American, 0.0039%; no homozygotes.

Submissions (5):

Revvity Omics, Revvity
Classification: Uncertain significance for Propionic acidemia. Last evaluated: 2025-01-23. Review status: criteria provided, single submitter. Criteria: ACMG Guidelines, 2015. Collection method: clinical testing. Allele origin: germline.

3billion
Classification: Likely benign for Propionic acidemia. Last evaluated: 2024-09-20. Review status: criteria provided, single submitter. Criteria: ACMG Guidelines, 2015. Collection method: clinical testing. Allele origin: germline. Affected: no.
Comment: The homozygous variant was found in patients diagnosed with another variant in a different gene, with no symptoms related to the gene containing the homozygous variant.

Ambry Genetics
Classification: Uncertain significance for Inborn genetic diseases. Last evaluated: 2023-02-07. Review status: criteria provided, single submitter. Criteria: Ambry Variant Classification Scheme 2023. Collection method: clinical testing. Allele origin: germline.

Labcorp Genetics (formerly Invitae), Labcorp
Classification: Uncertain significance for Propionic acidemia. Last evaluated: 2022-07-29. Review status: criteria provided, single submitter. Criteria: Invitae Variant Classification Sherloc (09022015). Collection method: clinical testing. Allele origin: germline.
Comment: This sequence change replaces threonine, which is neutral and polar, with methionine, which is neutral and non-polar, at codon 150 of the PCCB protein (p.Thr150Met). The frequency data for this variant in the population databases is considered unreliable, as metrics indicate poor data quality at this position in the gnomAD database. This variant has not been reported in the literature in individuals affected with PCCB-related conditions. ClinVar contains an entry for this variant (Variation ID: 1042105). Advanced modeling of protein sequence and biophysical properties (such as structural, functional, and spatial information, amino acid conservation, physicochemical variation, residue mobility, and thermodynamic stability) performed at Invitae indicates that this missense variant is not expected to disrupt PCCB protein function. In summary, the available evidence is currently insufficient to determine the role of this variant in disease. Therefore, it has been classified as a Variant of Uncertain Significance.

Natera, Inc.
Classification: Uncertain significance for Propionic acidemia. Last evaluated: 2020-02-17. Review status: no assertion criteria provided. Collection method: clinical testing. Allele origin: germline. Not counted in ClinVar's aggregate classification.

NM_000532.5(PCCB):c.449C>T (p.Thr150Met)

Gene: PCCB (propionyl-CoA carboxylase subunit beta; plus strand). Cytogenetic location: 3q22.3.
Variant type: single nucleotide variant.
Coding change: c.449C>T on transcript NM_000532.5 (MANE Select); coding-DNA position 449, C replaced by T.
Protein change: p.Thr150Met; replaces threonine 150 with methionine.
Molecular consequence: missense variant.
Genome position (GRCh38, 1-based): chr3:136,261,971, C>T. VCF-style: chr3-136261971-C-T. GRCh37 (hg19) VCF-style: chr3-135980813-C-T.
Other names: c.509C>T, p.Thr170Met (NM_001178014.2); c.449C>T (NM_000532.4); short protein forms T150M, T170M.
Identifiers: ClinVar variation 1042105 (VCV001042105.9), dbSNP rs372770908, ClinGen allele CA84266988.